The following is an entry in ClinVar:

NM_024928.5(STN1):c.229+2T>C

Gene: STN1 (STN1 subunit of CST complex; minus strand). Cytogenetic location: 10q24.33.
Variant type: single nucleotide variant.
Coding change: c.229+2T>C on transcript NM_024928.5 (MANE Select); the canonical splice donor site of the intron after coding-DNA position 229, T replaced by C.
Molecular consequence: splice donor variant.
Genome position (GRCh38, 1-based): chr10:103,910,525, A>G on the plus strand (T>C on the coding strand, the complement: STN1 is on the minus strand). VCF-style: chr10-103910525-A-G. GRCh37 (hg19) VCF-style: chr10-105670283-A-G.
Identifiers: ClinVar variation 2024318 (VCV002024318.4), dbSNP rs2493051445, ClinGen allele CA378049442.

ClinVar aggregate classification (germline): Uncertain significance (1 of 4 stars; one submission).

Allele frequency attached by ClinVar (database versions not stated): gnomAD exomes below 0.00001.
gnomAD v4.1: 1 of 1,584,146 alleles (0.000063%); highest among the groups gnomAD compares: Non-Finnish European, 0.000087%; no homozygotes.

Submission:

Labcorp Genetics (formerly Invitae), Labcorp
Classification: Uncertain significance. Last evaluated: 2022-10-06. Review status: criteria provided, single submitter. Criteria: Invitae Variant Classification Sherloc (09022015). Collection method: clinical testing. Allele origin: germline.
Comment: This variant has not been reported in the literature in individuals affected with STN1-related conditions. This sequence change affects a donor splice site in intron 3 of the STN1 gene. It is expected to disrupt RNA splicing. Variants that disrupt the donor or acceptor splice site typically lead to a loss of protein function (PMID: 16199547), however the current clinical and genetic evidence is not sufficient to establish whether loss-of-function variants in STN1 cause disease. This variant is not present in population databases (gnomAD no frequency). Algorithms developed to predict the effect of sequence changes on RNA splicing suggest that this variant may disrupt the consensus splice site. In summary, the available evidence is currently insufficient to determine the role of this variant in disease. Therefore, it has been classified as a Variant of Uncertain Significance.

Literature cited by the submitters: PubMed 16199547.